The following is an entry in ClinVar:

ClinVar aggregate classification (germline): Uncertain significance. Review status: criteria provided, multiple submitters, no conflicts (2 of 4 stars). 2 submissions from 2 submitters: Uncertain significance (2). Last evaluated 2022-11-22.

Conditions:
Nemaline myopathy 6 (NEM6). Also called: Nemaline myopathy 6, autosomal dominant. Identifiers: Orphanet 171439, MedGen C1836472, MONDO:0012237, OMIM 609273.

Allele frequency attached by ClinVar (database versions not stated): gnomAD exomes below 0.00001; gnomAD 0.00001; TOPMed 0.00002.

Submissions (2):

Labcorp Genetics (formerly Invitae), Labcorp
Classification: Uncertain significance for Nemaline myopathy 6. Last evaluated: 2022-11-22. Review status: criteria provided, single submitter. Criteria: Invitae Variant Classification Sherloc (09022015). Collection method: clinical testing. Allele origin: germline.
Comment: In summary, the available evidence is currently insufficient to determine the role of this variant in disease. Therefore, it has been classified as a Variant of Uncertain Significance. Advanced modeling of protein sequence and biophysical properties (such as structural, functional, and spatial information, amino acid conservation, physicochemical variation, residue mobility, and thermodynamic stability) performed at Invitae indicates that this missense variant is not expected to disrupt KBTBD13 protein function. This variant has not been reported in the literature in individuals affected with KBTBD13-related conditions. The frequency data for this variant in the population databases is considered unreliable, as metrics indicate poor data quality at this position in the gnomAD database. This sequence change replaces arginine, which is basic and polar, with histidine, which is basic and polar, at codon 188 of the KBTBD13 protein (p.Arg188His).

Mayo Clinic Laboratories, Mayo Clinic
Classification: Uncertain significance. Last evaluated: 2022-03-31. Review status: criteria provided, single submitter. Criteria: ACMG Guidelines, 2015. Collection method: clinical testing. Allele origin: germline. Observed: 1 variant allele.
Comment: BS1

NM_001101362.3(KBTBD13):c.563G>A (p.Arg188His)

Gene: KBTBD13 (kelch repeat and BTB domain containing 13; plus strand). Cytogenetic location: 15q22.31.
Variant type: single nucleotide variant.
Coding change: c.563G>A on transcript NM_001101362.3 (MANE Select); coding-DNA position 563, G replaced by A.
Protein change: p.Arg188His; replaces arginine 188 with histidine.
Molecular consequence: missense variant.
Genome position (GRCh38, 1-based): chr15:65,077,378, G>A. VCF-style: chr15-65077378-G-A. GRCh37 (hg19) VCF-style: chr15-65369716-G-A.
Other names: p.Arg188His; short protein forms R188H.
Identifiers: ClinVar variation 1965909 (VCV001965909.6), dbSNP rs1281364917, ClinGen allele CA392861530.